The following is an entry in ClinVar:

ClinVar aggregate classification (germline): Uncertain significance. Review status: criteria provided, multiple submitters, no conflicts (2 of 4 stars). 4 submissions from 4 submitters: Uncertain significance (4). Last evaluated 2026-03-04.

Conditions:
TTN-related disorder. Also called: TTN-related condition; TTN-related disease; TTN-related disorders.
Autosomal recessive limb-girdle muscular dystrophy type 2J (LGMDR10). Also called: MUSCULAR DYSTROPHY, LIMB-GIRDLE, AUTOSOMAL RECESSIVE 10; Limb-girdle muscular dystrophy, type 2J. Identifiers: Orphanet 140922, MedGen C1837342, MONDO:0012127, OMIM 608807.
Dilated cardiomyopathy 1G (CMD1G). Identifiers: Orphanet 154, MedGen C1858763, MONDO:0011400, OMIM 604145.

Allele frequency attached by ClinVar (database versions not stated): ExAC 0.00002; gnomAD exomes 0.00002; gnomAD 0.00006; TOPMed 0.00008.
gnomAD v4.1: 14 of 1,613,220 alleles (0.00087%); highest among the groups gnomAD compares: African/African-American, 0.017%; no homozygotes.

Submissions (4):

PreventionGenetics, part of Exact Sciences
Classification: Uncertain significance for TTN-related condition. Last evaluated: 2026-03-04. Review status: criteria provided, single submitter. Criteria: ACMG Guidelines, 2015. Collection method: clinical testing. Allele origin: germline.
Comment: The TTN c.43970G>C variant is predicted to result in the amino acid substitution p.Cys14657Ser. To our knowledge, this variant has not been reported in the literature. This variant is reported in 0.033% of alleles in individuals of African descent in gnomAD. At this time, the clinical significance of this variant is uncertain due to the absence of conclusive functional and genetic evidence.

Women's Health and Genetics/Laboratory Corporation of America, LabCorp
Classification: Uncertain significance. Last evaluated: 2022-07-18. Review status: criteria provided, single submitter. Criteria: LabCorp Variant Classification Summary - May 2015. Collection method: clinical testing. Allele origin: germline.

Labcorp Genetics (formerly Invitae), Labcorp
Classification: Uncertain significance for Dilated cardiomyopathy 1G; Autosomal recessive limb-girdle muscular dystrophy type 2J. Last evaluated: 2017-12-13. Review status: criteria provided, single submitter. Criteria: Invitae Variant Classification Sherloc (09022015). Collection method: clinical testing. Allele origin: germline.

Eurofins Ntd Llc (ga)
Classification: Uncertain significance. Last evaluated: 2016-09-25. Review status: criteria provided, single submitter. Criteria: EGL Classification Definitions 2015. Collection method: clinical testing. Allele origin: germline. Observed: 2 variant alleles, 2 heterozygotes.

NM_001267550.2(TTN):c.43970G>C (p.Cys14657Ser)

Gene: TTN (titin; minus strand). Cytogenetic location: 2q31.2.
Variant type: single nucleotide variant.
Coding change: c.43970G>C on transcript NM_001267550.2 (MANE Select); coding-DNA position 43970, G replaced by C.
Protein change: p.Cys14657Ser; replaces cysteine 14657 with serine.
Molecular consequence: missense variant.
Genome position (GRCh38, 1-based): chr2:178,631,078, C>G on the plus strand (G>C on the coding strand, the complement: TTN is on the minus strand). VCF-style: chr2-178631078-C-G. GRCh37 (hg19) VCF-style: chr2-179495805-C-G.
Other names: c.39047G>C, p.Cys13016Ser (NM_001256850.1); c.16775G>C, p.Cys5592Ser (NM_003319.4); c.36266G>C, p.Cys12089Ser (NM_133378.4); c.17150G>C, p.Cys5717Ser (NM_133432.3); c.17351G>C, p.Cys5784Ser (NM_133437.4); short protein forms C14657S, C12089S, C5717S, C5784S, C5592S, C13016S.
Identifiers: ClinVar variation 238780 (VCV000238780.9), dbSNP rs774245300, ClinGen allele CA1995787.